The following is an entry in ClinVar:

NM_001367624.2(ZNF469):c.4276G>A (p.Glu1426Lys)

Gene: ZNF469 (zinc finger protein 469; plus strand). Cytogenetic location: 16q24.2.
Variant type: single nucleotide variant.
Coding change: c.4276G>A on transcript NM_001367624.2 (MANE Select); coding-DNA position 4276, G replaced by A.
Protein change: p.Glu1426Lys; replaces glutamic acid 1426 with lysine.
Molecular consequence: missense variant.
Genome position (GRCh38, 1-based): chr16:88,431,746, G>A. VCF-style: chr16-88431746-G-A. GRCh37 (hg19) VCF-style: chr16-88498154-G-A.
Other names: NM_001127464.1:c.4192G>A; p.Glu1426Lys; short protein forms E1426K.
Identifiers: ClinVar variation 1343543 (VCV001343543.13), dbSNP rs868174994, ClinGen allele CA286375843.

ClinVar aggregate classification (germline): Conflicting classifications of pathogenicity. Review status: criteria provided, conflicting classifications (1 of 4 stars). 5 submissions from 5 submitters: Uncertain significance (4); Benign (1). Last evaluated 2025-09-04.

Conditions:
Cardiovascular phenotype. Identifiers: MedGen CN230736.

Allele frequency attached by ClinVar (database versions not stated): TOPMed 0.00008; gnomAD 0.00004; gnomAD exomes 0.00010 and 0.00014.
gnomAD v4.1: 205 of 1,549,844 alleles (0.013%); highest among the groups gnomAD compares: Middle Eastern, 0.017%; no homozygotes.

Submissions (5):

Mayo Clinic Laboratories, Mayo Clinic
Classification: Uncertain significance. Last evaluated: 2025-09-04. Review status: criteria provided, single submitter. Criteria: ACMG Guidelines, 2015. Collection method: clinical testing. Allele origin: germline. Observed: 2 variant alleles.
Comment: BP4

Women's Health and Genetics/Laboratory Corporation of America, LabCorp
Classification: Uncertain significance. Last evaluated: 2025-03-10. Review status: criteria provided, single submitter. Criteria: LabCorp Variant Classification Summary - May 2015. Collection method: clinical testing. Allele origin: germline.
Comment: Variant summary: ZNF469 c.4276G>A (p.Glu1426Lys) results in a conservative amino acid change in the encoded protein sequence. Three of three in-silico tools predict a benign effect of the variant on protein function. The variant allele was found at a frequency of 9.9e-05 in 152104 control chromosomes. This frequency is not significantly higher than estimated for a pathogenic variant in ZNF469 causing Brittle cornea syndrome 1, allowing no conclusion about variant significance. To our knowledge, no occurrence of c.4276G>A in individuals affected with Brittle cornea syndrome 1 and no experimental evidence demonstrating its impact on protein function have been reported. ClinVar contains an entry for this variant (Variation ID: 1343543). Based on the evidence outlined above, the variant was classified as uncertain significance.

Ambry Genetics
Classification: Benign for Cardiovascular phenotype. Last evaluated: 2024-12-17. Review status: criteria provided, single submitter. Criteria: Ambry Variant Classification Scheme 2023. Collection method: clinical testing. Allele origin: germline.

GeneDx
Classification: Uncertain significance. Last evaluated: 2024-05-10. Review status: criteria provided, single submitter. Criteria: GeneDx Variant Classification Process June 2021. Collection method: clinical testing. Allele origin: germline. Affected: yes.
Comment: In silico analysis indicates that this missense variant does not alter protein structure/function; Has not been previously published as pathogenic or benign to our knowledge

Labcorp Genetics (formerly Invitae), Labcorp
Classification: Uncertain significance. Last evaluated: 2022-03-12. Review status: criteria provided, single submitter. Criteria: Invitae Variant Classification Sherloc (09022015). Collection method: clinical testing. Allele origin: germline.
Comment: This sequence change replaces glutamic acid, which is acidic and polar, with lysine, which is basic and polar, at codon 1398 of the ZNF469 protein (p.Glu1398Lys). This variant is present in population databases (no rsID available, gnomAD 0.02%). This variant has not been reported in the literature in individuals affected with ZNF469-related conditions. Algorithms developed to predict the effect of missense changes on protein structure and function output the following: SIFT: "Deleterious"; PolyPhen-2: "Benign"; Align-GVGD: "Class C0". The lysine amino acid residue is found in multiple mammalian species, which suggests that this missense change does not adversely affect protein function. In summary, the available evidence is currently insufficient to determine the role of this variant in disease. Therefore, it has been classified as a Variant of Uncertain Significance.